The following is an entry in ClinVar:

ClinVar aggregate classification (germline): Uncertain significance (1 of 4 stars; one submission).

Submission:

Labcorp Genetics (formerly Invitae), Labcorp
Classification: Uncertain significance. Last evaluated: 2023-11-22. Review status: criteria provided, single submitter. Criteria: Invitae Variant Classification Sherloc (09022015). Collection method: clinical testing. Allele origin: germline.
Comment: This sequence change replaces histidine, which is basic and polar, with aspartic acid, which is acidic and polar, at codon 426 of the LEMD3 protein (p.His426Asp). This variant is not present in population databases (gnomAD no frequency). This variant has not been reported in the literature in individuals affected with LEMD3-related conditions. Advanced modeling of protein sequence and biophysical properties (such as structural, functional, and spatial information, amino acid conservation, physicochemical variation, residue mobility, and thermodynamic stability) performed at Invitae indicates that this missense variant is not expected to disrupt LEMD3 protein function with a negative predictive value of 80%. In summary, the available evidence is currently insufficient to determine the role of this variant in disease. Therefore, it has been classified as a Variant of Uncertain Significance.

NM_014319.5(LEMD3):c.1276C>G (p.His426Asp)

Gene: LEMD3 (LEM domain containing 3; plus strand). Cytogenetic location: 12q14.3.
Variant type: single nucleotide variant.
Coding change: c.1276C>G on transcript NM_014319.5 (MANE Select); coding-DNA position 1276, C replaced by G.
Protein change: p.His426Asp; replaces histidine 426 with aspartic acid.
Molecular consequence: missense variant.
Genome position (GRCh38, 1-based): chr12:65,170,872, C>G. VCF-style: chr12-65170872-C-G. GRCh37 (hg19) VCF-style: chr12-65564652-C-G.
Other names: c.1276C>G, p.His426Asp (NM_001167614.2); short protein forms H426D.
Identifiers: ClinVar variation 2766960 (VCV002766960.3), dbSNP rs2498940913, ClinGen allele CA385675552.
Genomic context (GRCh38, chr12:65,170,872, plus strand): 5'-TATTCTAACAGTCTCCCTCCCAGTGCGGCGGTGGCCGCCTCTAGTTCACTCAGGATCAAT[C>G]ACGCCAATCATACGGGCTCCAATCATACCTACCTGAAAAACACATACAACAAACCGAAGC-3'
Protein context (NP_055134.2, residues 416-436): VAASSSLRIN[His426Asp]ANHTGSNHTY